The following is an entry in ClinVar:

ClinVar aggregate classification (germline): Uncertain significance. Review status: criteria provided, single submitter (1 of 4 stars). 2 submissions from 2 submitters: Uncertain significance (1). 1 of the submissions does not count toward it. Last evaluated 2016-12-12.

Conditions:
Kidney disorder. Also called: Nephropathy; Kidney disease; Kidney Diseases; renal disorder; renal disease. Identifiers: MedGen C0022658, MONDO:0005240, HP:0000112.

Allele frequency attached by ClinVar (database versions not stated): gnomAD exomes 0.00033; 1000 Genomes Project 30x 0.00016; ESP Exome Variant Server 0.00031; ExAC 0.00032; gnomAD 0.00046 and 0.00048; 1000 Genomes Project 0.00020; TOPMed 0.00052.
gnomAD v4.1: 888 of 1,612,440 alleles (0.055%); highest among the groups gnomAD compares: African/African-American, 0.068%; 2 homozygotes.

Submissions (2):

Genome Diagnostics Laboratory, The Hospital for Sick Children
Classification: Uncertain significance for Kidney disorder. Last evaluated: 2016-12-12. Review status: criteria provided, single submitter. Criteria: ACMG Guidelines, 2015. Collection method: clinical testing. Allele origin: germline.

Martin Pollak Laboratory,  Beth Israel Deaconess Medical Center
Classification: Uncertain significance. Review status: no assertion criteria provided. Collection method: not provided. Allele origin: unknown. Not counted in ClinVar's aggregate classification.
Comment: Lower UCa2+ group
ClinVar note: Converted during submission from unknown to Uncertain significance.

NM_003361.4(UMOD):c.*8C>T

Gene: UMOD (uromodulin; minus strand). Cytogenetic location: 16p12.3.
Variant type: single nucleotide variant.
Coding change: c.*8C>T on transcript NM_003361.4 (MANE Select); 8 bases downstream of the stop codon, C replaced by T.
Molecular consequence: 3 prime UTR variant. On other transcripts: non-coding transcript variant (1).
Genome position (GRCh38, 1-based): chr16:20,333,306, G>A on the plus strand (C>T on the coding strand, the complement: UMOD is on the minus strand). VCF-style: chr16-20333306-G-A. GRCh37 (hg19) VCF-style: chr16-20344628-G-A.
Other names: c.*8C>T (NM_001008389.3, NM_001278614.2, NM_001378232.1 and 3 more transcripts).
Identifiers: ClinVar variation 64441 (VCV000064441.4), dbSNP rs199904726, ClinGen allele CA216146.